The following is an entry in ClinVar:

ClinVar aggregate classification (germline): Likely pathogenic (1 of 4 stars; one submission).

Conditions:
RBFOX2-related congenital heart disorder. Identifiers: MedGen CN377745, MONDO:0100557.

Submission:

Victorian Clinical Genetics Services, Murdoch Childrens Research Institute
Classification: Likely pathogenic for RBFOX2-related congenital heart disorder. Last evaluated: 2025-06-12. Review status: criteria provided, single submitter. Criteria: ACMG Guidelines, 2015. Collection method: clinical testing. Allele origin: germline. Affected: yes.
Comment: This variant is classified as Likely pathogenic. Evidence in support of pathogenic classification: Variant is predicted to cause nonsense-mediated decay (NMD) and loss of protein (premature termination codon is located at least 54 nucleotides upstream of the final exon-exon junction); Variant is absent from gnomAD (v2, v3 and v4); Other NMD-predicted variants comparable to the one identified in this case have moderate previous evidence for pathogenicity. Several other NMD-predicted variants in this gene have been reported in the literature, including three shown to be de novo in individuals with hypoplastic left heart syndrome (PMIDs: 26785492, 32368696, internal data). In ClinVar, one NMD-predicted variant has been classified as pathogenic by a clinical laboratory but without a clear phenotypic association. In addition, two NMD-predicted variants have been classified as a VUS without further information provided (ClinVar, LOVD); Additional information: This variant is heterozygous; This gene is associated with autosomal dominant disease. - This variant has no previous evidence of pathogenicity; No published segregation evidence has been identified for this variant; No published functional evidence has been identified for this variant; Loss of function is a known mechanism of disease in this gene and is associated with RBFOX2-related congenital heart disorder (MONDO:0100557) (PMID: 26785492, 27485310, 27670201, 35137168, ClinGen).

Literature cited by the submitters: PubMed 27485310; PubMed 32368696; PubMed 35137168; PubMed 26785492; PubMed 27670201.

NM_001349999.2(RBFOX2):c.352C>T (p.Gln118Ter)

Gene: RBFOX2 (RNA binding fox-1 homolog 2; minus strand). Cytogenetic location: 22q12.3.
Variant type: single nucleotide variant.
Coding change: c.352C>T on transcript NM_001349999.2 (MANE Select); coding-DNA position 352, C replaced by T.
Protein change: p.Gln118Ter; replaces glutamine 118 with a stop codon.
Molecular consequence: nonsense.
Genome position (GRCh38, 1-based): chr22:35,809,890, G>A on the plus strand (C>T on the coding strand, the complement: RBFOX2 is on the minus strand). VCF-style: chr22-35809890-G-A. GRCh37 (hg19) VCF-style: chr22-36205937-G-A.
Other names: c.352C>T, p.Gln118Ter (NM_001394109.1, NM_001394110.1, NM_001394111.1 and 7 more transcripts); c.142C>T, p.Gln48Ter (NM_014309.4, NM_001031695.4, NM_001082576.3 and 4 more transcripts); c.208C>T, p.Gln70Ter (NM_001349982.2, NM_001349989.2, NM_001349990.2 and 5 more transcripts); short protein forms Q118*, Q48*, Q70*.
Identifiers: ClinVar variation 1699029 (VCV001699029.5), dbSNP rs2148138686, ClinGen allele CA411547751.